The following is an entry in ClinVar:

ClinVar aggregate classification (germline): Uncertain significance (1 of 4 stars; one submission).

gnomAD v4.1: 4 of 1,613,842 alleles (0.00025%); highest among the groups gnomAD compares: Non-Finnish European, 0.00025%; no homozygotes.

Submission:

Labcorp Genetics (formerly Invitae), Labcorp
Classification: Uncertain significance. Last evaluated: 2024-09-24. Review status: criteria provided, single submitter. Criteria: Invitae Variant Classification Sherloc (09022015). Collection method: clinical testing. Allele origin: germline.
Comment: This sequence change replaces proline, which is neutral and non-polar, with arginine, which is basic and polar, at codon 512 of the KIF20A protein (p.Pro512Arg). This variant is present in population databases (rs769449397, gnomAD 0.0009%). This variant has not been reported in the literature in individuals affected with KIF20A-related conditions. An algorithm developed to predict the effect of missense changes on protein structure and function (PolyPhen-2) suggests that this variant is likely to be tolerated. In summary, the available evidence is currently insufficient to determine the role of this variant in disease. Therefore, it has been classified as a Variant of Uncertain Significance.

NM_005733.3(KIF20A):c.1535C>G (p.Pro512Arg)

Gene: KIF20A (kinesin family member 20A; plus strand). Cytogenetic location: 5q31.2.
Variant type: single nucleotide variant.
Coding change: c.1535C>G on transcript NM_005733.3 (MANE Select); coding-DNA position 1535, C replaced by G.
Protein change: p.Pro512Arg; replaces proline 512 with arginine.
Molecular consequence: missense variant.
Genome position (GRCh38, 1-based): chr5:138,184,528, C>G. VCF-style: chr5-138184528-C-G. GRCh37 (hg19) VCF-style: chr5-137520217-C-G.
Other names: short protein forms P512R.
Identifiers: ClinVar variation 3690602 (VCV003690602.2).